The following is an entry in ClinVar:

ClinVar aggregate classification (germline): Uncertain significance (1 of 4 stars; one submission).

Submission:

Labcorp Genetics (formerly Invitae), Labcorp
Classification: Uncertain significance. Last evaluated: 2023-06-09. Review status: criteria provided, single submitter. Criteria: Invitae Variant Classification Sherloc (09022015). Collection method: clinical testing. Allele origin: germline.
Comment: In summary, the available evidence is currently insufficient to determine the role of this variant in disease. Therefore, it has been classified as a Variant of Uncertain Significance. Advanced modeling of protein sequence and biophysical properties (such as structural, functional, and spatial information, amino acid conservation, physicochemical variation, residue mobility, and thermodynamic stability) has been performed at Invitae for this missense variant, however the output from this modeling did not meet the statistical confidence thresholds required to predict the impact of this variant on COL7A1 protein function. This missense change has been observed in individual(s) with autosomal recessive epidermolysis bullosa (PMID: 35314946). In at least one individual the data is consistent with being in trans (on the opposite chromosome) from a pathogenic variant. This variant is not present in population databases (gnomAD no frequency). This sequence change replaces valine, which is neutral and non-polar, with glutamic acid, which is acidic and polar, at codon 844 of the COL7A1 protein (p.Val844Glu).

Literature cited by the submitters: PubMed 35314946.

NM_000094.4(COL7A1):c.2531T>A (p.Val844Glu)

Gene: COL7A1 (collagen type VII alpha 1 chain; minus strand). Cytogenetic location: 3p21.31.
Variant type: single nucleotide variant.
Coding change: c.2531T>A on transcript NM_000094.4 (MANE Select); coding-DNA position 2531, T replaced by A.
Protein change: p.Val844Glu; replaces valine 844 with glutamic acid.
Molecular consequence: missense variant.
Genome position (GRCh38, 1-based): chr3:48,588,698, A>T on the plus strand (T>A on the coding strand, the complement: COL7A1 is on the minus strand). VCF-style: chr3-48588698-A-T. GRCh37 (hg19) VCF-style: chr3-48626131-A-T.
Other names: short protein forms V844E.
Identifiers: ClinVar variation 2852070 (VCV002852070.3), dbSNP rs2531258905, ClinGen allele CA352719031.